The following is an entry in ClinVar:

ClinVar aggregate classification (germline): Uncertain significance (1 of 4 stars; one submission).

Conditions:
Autoimmune interstitial lung disease-arthritis syndrome. Also called: Autoinflammation and autoimmunity, systemic, with immune dysregulation. Identifiers: Orphanet 444092, MedGen C5975714, MONDO:0014629.

Submission:

Labcorp Genetics (formerly Invitae), Labcorp
Classification: Uncertain significance for Autoimmune interstitial lung disease-arthritis syndrome. Last evaluated: 2020-03-22. Review status: criteria provided, single submitter. Criteria: Invitae Variant Classification Sherloc (09022015). Collection method: clinical testing. Allele origin: germline.
Comment: This sequence change replaces aspartic acid with tyrosine at codon 292 of the COPA protein (p.Asp292Tyr). The aspartic acid residue is moderately conserved and there is a large physicochemical difference between aspartic acid and tyrosine. This variant is not present in population databases (ExAC no frequency). This variant has not been reported in the literature in individuals with COPA-related conditions. Algorithms developed to predict the effect of missense changes on protein structure and function are either unavailable or do not agree on the potential impact of this missense change (SIFT: "Deleterious"; PolyPhen-2: "Probably Damaging"; Align-GVGD: "Class C15"). In summary, the available evidence is currently insufficient to determine the role of this variant in disease. Therefore, it has been classified as a Variant of Uncertain Significance.

NM_004371.4(COPA):c.874G>T (p.Asp292Tyr)

Gene: COPA (coat protein complex I subunit alpha; minus strand). Cytogenetic location: 1q23.2.
Variant type: single nucleotide variant.
Coding change: c.874G>T on transcript NM_004371.4 (MANE Select); coding-DNA position 874, G replaced by T.
Protein change: p.Asp292Tyr; replaces aspartic acid 292 with tyrosine.
Molecular consequence: missense variant.
Genome position (GRCh38, 1-based): chr1:160,313,136, C>A on the plus strand (G>T on the coding strand, the complement: COPA is on the minus strand). VCF-style: chr1-160313136-C-A. GRCh37 (hg19) VCF-style: chr1-160282926-C-A.
Other names: c.874G>T, p.Asp292Tyr (NM_001098398.2); short protein forms D292Y.
Identifiers: ClinVar variation 1004028 (VCV001004028.8), dbSNP rs1659021909, ClinGen allele CA343262461.
Genomic context (GRCh38, chr1:160,313,136, plus strand): 5'-GGCCCTTACCTGCTGCAAAGAGGTTAAGGTTAGGGTGAGCAGCTAGGACCCAGAAACGAT[C>A]ATGGTCTCTGCGGAAAGTCTGAACCCCAGTCCTAGAAAAGGTACACAAAAAGAAAAACAT-3'
Protein context (NP_004362.2, residues 282-302): TGVQTFRRDH[Asp292Tyr]RFWVLAAHPN